The following is an entry in ClinVar:

ClinVar aggregate classification (germline): Uncertain significance. Review status: criteria provided, multiple submitters, no conflicts (2 of 4 stars). 2 submissions from 2 submitters: Uncertain significance (2). Last evaluated 2025-01-17.

Conditions:
Hereditary cancer-predisposing syndrome. Also called: Hereditary neoplastic syndrome; Tumor predisposition; Hereditary Cancer Syndrome; Neoplastic Syndromes, Hereditary. Identifiers: Orphanet 140162, MedGen C0027672, MeSH D009386, MONDO:0015356.
Familial cancer of breast. Also called: BREAST CANCER, FAMILIAL; hereditary breast carcinoma; Hereditary breast cancer. Identifiers: Orphanet 227535, MedGen C0346153, MONDO:0016419, OMIM 114480. Disease mechanism: loss of function.

Submissions (2):

Labcorp Genetics (formerly Invitae), Labcorp
Classification: Uncertain significance for Familial cancer of breast. Last evaluated: 2025-01-17. Review status: criteria provided, single submitter. Criteria: Invitae Variant Classification Sherloc (09022015). Collection method: clinical testing. Allele origin: germline.
Comment: This sequence change replaces lysine, which is basic and polar, with asparagine, which is neutral and polar, at codon 207 of the BARD1 protein (p.Lys207Asn). This variant is not present in population databases (gnomAD no frequency). This variant has not been reported in the literature in individuals affected with BARD1-related conditions. ClinVar contains an entry for this variant (Variation ID: 2585715). An algorithm developed to predict the effect of missense changes on protein structure and function (PolyPhen-2) suggests that this variant is likely to be disruptive. In summary, the available evidence is currently insufficient to determine the role of this variant in disease. Therefore, it has been classified as a Variant of Uncertain Significance.

Ambry Genetics
Classification: Uncertain significance for Hereditary cancer-predisposing syndrome. Last evaluated: 2023-09-04. Review status: criteria provided, single submitter. Criteria: Ambry Variant Classification Scheme 2023. Collection method: clinical testing. Allele origin: germline.
Comment: The p.K207N variant (also known as c.621A>C), located in coding exon 4 of the BARD1 gene, results from an A to C substitution at nucleotide position 621. The lysine at codon 207 is replaced by asparagine, an amino acid with similar properties. This amino acid position is conserved. In addition, this alteration is predicted to be tolerated by in silico analysis. Since supporting evidence is limited at this time, the clinical significance of this alteration remains unclear.

NM_000465.4(BARD1):c.621A>C (p.Lys207Asn)

Gene: BARD1 (BRCA1 associated RING domain 1; minus strand). Cytogenetic location: 2q35.
Variant type: single nucleotide variant.
Coding change: c.621A>C on transcript NM_000465.4 (MANE Select); coding-DNA position 621, A replaced by C.
Protein change: p.Lys207Asn; replaces lysine 207 with asparagine.
Molecular consequence: missense variant. On other transcripts: intron variant (3), non-coding transcript variant (2).
Genome position (GRCh38, 1-based): chr2:214,781,253, T>G on the plus strand (A>C on the coding strand, the complement: BARD1 is on the minus strand). VCF-style: chr2-214781253-T-G. GRCh37 (hg19) VCF-style: chr2-215645977-T-G.
Other names: c.364+11044A>C (NM_001282549.2); c.564A>C, p.Lys188Asn (NM_001282543.2); c.158+28159A>C (NM_001282548.2); c.215+15808A>C (NM_001282545.2); short protein forms K207N, K188N.
Identifiers: ClinVar variation 2585715 (VCV002585715.4), dbSNP rs2469511026, ClinGen allele CA350456666.